The following is an entry in ClinVar:

NM_198578.4(LRRK2):c.3763A>G (p.Asn1255Asp)

Gene: LRRK2 (leucine rich repeat kinase 2; plus strand). Cytogenetic location: 12q12.
Variant type: single nucleotide variant.
Coding change: c.3763A>G on transcript NM_198578.4 (MANE Select); coding-DNA position 3763, A replaced by G.
Protein change: p.Asn1255Asp; replaces asparagine 1255 with aspartic acid.
Molecular consequence: missense variant.
Genome position (GRCh38, 1-based): chr12:40,304,120, A>G. VCF-style: chr12-40304120-A-G. GRCh37 (hg19) VCF-style: chr12-40697922-A-G.
Other names: short protein forms N1255D.
Identifiers: ClinVar variation 1734698 (VCV001734698.2), dbSNP rs2499782536, ClinGen allele CA384416902.
Genomic context (GRCh38, chr12:40,304,120, plus strand): 5'-TTGGACTTGAGTGAAAAAGCATATTTATGGTCTAGAGTAGAGAAACTGCATCTTTCTCAC[A>G]ATAAACTGAAAGAGGTAAGACGATTATTGCCACTTAAAAAATATACTTTATGATTTGCAT-3'
Protein context (NP_940980.4, residues 1245-1265): SRVEKLHLSH[Asn1255Asp]KLKEIPPEIG

ClinVar aggregate classification (germline): Uncertain significance (1 of 4 stars; one submission).

Conditions:
Inborn genetic diseases. Identifiers: MedGen C0950123, MeSH D030342.

Submission:

Ambry Genetics
Classification: Uncertain significance for Inborn genetic diseases. Last evaluated: 2021-06-23. Review status: criteria provided, single submitter. Criteria: Ambry Variant Classification Scheme 2023. Collection method: clinical testing. Allele origin: germline.
Comment: The p.N1255D variant (also known as c.3763A>G), located in coding exon 27 of the LRRK2 gene, results from an A to G substitution at nucleotide position 3763. The asparagine at codon 1255 is replaced by aspartic acid, an amino acid with highly similar properties. This amino acid position is conserved. In addition, this alteration is predicted to be tolerated by in silico analysis. Since supporting evidence is limited at this time, the clinical significance of this alteration remains unclear.